The following is an entry in ClinVar:

ClinVar aggregate classification (germline): Uncertain significance. Review status: criteria provided, multiple submitters, no conflicts (2 of 4 stars). 2 submissions from 2 submitters: Uncertain significance (2). Last evaluated 2025-09-25.

Conditions:
X-linked lymphoproliferative disease due to XIAP deficiency. Also called: XIAP-Related Lymphoproliferative Disease, X-Linked; XIAP DEFICIENCY. Identifiers: Orphanet 2442, Orphanet 538934, MedGen C1845076, MONDO:0010385, OMIM 300635.

Allele frequency attached by ClinVar (database versions not stated): ExAC 0.00001; gnomAD 0.00001; gnomAD exomes 0.00002; TOPMed 0.00002.
gnomAD v4.1: 23 of 1,204,052 alleles (0.0019%); highest among the groups gnomAD compares: South Asian, 0.014%; no homozygotes.

Submissions (2):

Labcorp Genetics (formerly Invitae), Labcorp
Classification: Uncertain significance for X-linked lymphoproliferative disease due to XIAP deficiency. Last evaluated: 2025-09-25. Review status: criteria provided, single submitter. Criteria: Invitae Variant Classification Sherloc (09022015). Collection method: clinical testing. Allele origin: germline.
Comment: This sequence change replaces asparagine, which is neutral and polar, with histidine, which is basic and polar, at codon 280 of the XIAP protein (p.Asn280His). This variant is present in population databases (rs758057572, gnomAD 0.01%). This variant has not been reported in the literature in individuals affected with XIAP-related conditions. ClinVar contains an entry for this variant (Variation ID: 846617). Invitae Evidence Modeling of protein sequence and biophysical properties (such as structural, functional, and spatial information, amino acid conservation, physicochemical variation, residue mobility, and thermodynamic stability) indicates that this missense variant is not expected to disrupt XIAP protein function with a negative predictive value of 80%. In summary, the available evidence is currently insufficient to determine the role of this variant in disease. Therefore, it has been classified as a Variant of Uncertain Significance.

Blueprint Genetics
Classification: Uncertain significance. Last evaluated: 2024-06-19. Review status: criteria provided, single submitter. Criteria: ACMG Guidelines, 2015. Collection method: clinical testing. Allele origin: germline.

NM_001167.4(XIAP):c.838A>C (p.Asn280His)

Gene: XIAP (X-linked inhibitor of apoptosis; plus strand). Cytogenetic location: Xq25.
Variant type: single nucleotide variant.
Coding change: c.838A>C on transcript NM_001167.4 (MANE Select); coding-DNA position 838, A replaced by C.
Protein change: p.Asn280His; replaces asparagine 280 with histidine.
Molecular consequence: missense variant.
Genome position (GRCh38, 1-based): chrX:123,886,500, A>C. VCF-style: chrX-123886500-A-C. GRCh37 (hg19) VCF-style: chrX-123020350-A-C.
Other names: c.838A>C, p.Asn280His (NM_001204401.2, NM_001378590.1, NM_001378591.1 and 1 more transcripts); short protein forms N280H.
Identifiers: ClinVar variation 846617 (VCV000846617.8), dbSNP rs758057572, ClinGen allele CA10508050.
Genomic context (GRCh38, chrX:123,886,500, plus strand): 5'-CCATCCATGGCAGATTATGAAGCACGGATCTTTACTTTTGGGACATGGATATACTCAGTT[A>C]ACAAGGAGCAGCTTGCAAGAGCTGGATTTTATGCTTTAGGTAAACTTTATTATAAAACCA-3'
Protein context (NP_001158.2, residues 270-290): FTFGTWIYSV[Asn280His]KEQLARAGFY